The following is an entry in ClinVar:

NM_001134363.3(RBM20):c.38C>T (p.Pro13Leu)

Gene: RBM20 (RNA binding motif protein 20; plus strand). Cytogenetic location: 10q25.2.
Variant type: single nucleotide variant.
Coding change: c.38C>T on transcript NM_001134363.3 (MANE Select); coding-DNA position 38, C replaced by T.
Protein change: p.Pro13Leu; replaces proline 13 with leucine.
Molecular consequence: missense variant.
Genome position (GRCh38, 1-based): chr10:110,644,492, C>T. VCF-style: chr10-110644492-C-T. GRCh37 (hg19) VCF-style: chr10-112404250-C-T.
Other names: short protein forms P13L.
Identifiers: ClinVar variation 3636955 (VCV003636955.2).

ClinVar aggregate classification (germline): Uncertain significance (1 of 4 stars; one submission).

Conditions:
Dilated cardiomyopathy 1DD (CMD1DD). Identifiers: Orphanet 154, MedGen C2750995, MONDO:0013168, OMIM 613172.

Submission:

Labcorp Genetics (formerly Invitae), Labcorp
Classification: Uncertain significance for Dilated cardiomyopathy 1DD. Last evaluated: 2024-02-18. Review status: criteria provided, single submitter. Criteria: Invitae Variant Classification Sherloc (09022015). Collection method: clinical testing. Allele origin: germline.
Comment: This sequence change replaces proline, which is neutral and non-polar, with leucine, which is neutral and non-polar, at codon 13 of the RBM20 protein (p.Pro13Leu). This variant is not present in population databases (gnomAD no frequency). This variant has not been reported in the literature in individuals affected with RBM20-related conditions. Advanced modeling of protein sequence and biophysical properties (such as structural, functional, and spatial information, amino acid conservation, physicochemical variation, residue mobility, and thermodynamic stability) performed at Invitae indicates that this missense variant is not expected to disrupt RBM20 protein function with a negative predictive value of 95%. In summary, the available evidence is currently insufficient to determine the role of this variant in disease. Therefore, it has been classified as a Variant of Uncertain Significance.